The following is an entry in ClinVar:

NM_001267550.2(TTN):c.95120-2A>G

Genes: TTN-AS1 (TTN antisense RNA 1; plus strand), TTN (titin; minus strand). Cytogenetic location: 2q31.2.
Variant type: single nucleotide variant.
Coding change: c.95120-2A>G on transcript NM_001267550.2 (MANE Select); the canonical splice acceptor site of the intron before coding-DNA position 95120, A replaced by G.
Molecular consequence: splice acceptor variant.
Genome position (GRCh38, 1-based): chr2:178,546,118, T>C on the plus strand (A>G on the coding strand, the complement: TTN is on the minus strand). VCF-style: chr2-178546118-T-C. GRCh37 (hg19) VCF-style: chr2-179410845-T-C.
Other names: c.67925-2A>G (NM_003319.4); c.68501-2A>G (NM_133437.4); c.68300-2A>G (NM_133432.3); c.87416-2A>G (NM_133378.4); c.90197-2A>G (NM_001256850.1).
Identifiers: ClinVar variation 1487010 (VCV001487010.6), dbSNP rs2154145628, ClinGen allele CA349466212.

ClinVar aggregate classification (germline): Likely pathogenic (1 of 4 stars; one submission).

Conditions:
Dilated cardiomyopathy 1G (CMD1G). Identifiers: Orphanet 154, MedGen C1858763, MONDO:0011400, OMIM 604145.
Autosomal recessive limb-girdle muscular dystrophy type 2J (LGMDR10). Also called: Limb-girdle muscular dystrophy, type 2J; MUSCULAR DYSTROPHY, LIMB-GIRDLE, AUTOSOMAL RECESSIVE 10. Identifiers: Orphanet 140922, MedGen C1837342, MONDO:0012127, OMIM 608807.

Submission:

Labcorp Genetics (formerly Invitae), Labcorp
Classification: Likely pathogenic for Dilated cardiomyopathy 1G; Autosomal recessive limb-girdle muscular dystrophy type 2J. Last evaluated: 2021-10-09. Review status: criteria provided, single submitter. Criteria: Invitae Variant Classification Sherloc (09022015). Collection method: clinical testing. Allele origin: germline.
Comment: In summary, the currently available evidence indicates that the variant is pathogenic, but additional data are needed to prove that conclusively. Therefore, this variant has been classified as Likely Pathogenic. Algorithms developed to predict the effect of sequence changes on RNA splicing suggest that this variant may disrupt the consensus splice site. This variant has not been reported in the literature in individuals affected with TTN-related conditions. This variant is not present in population databases (ExAC no frequency). This sequence change affects an acceptor splice site in intron 342 of the TTN gene. It is expected to disrupt RNA splicing and likely results in a truncated or disrupted TTN protein. This variant is located in the A band of TTN (PMID: 25589632). Truncating variants in this region are significantly overrepresented in patients affected with dilated cardiomyopathy (PMID: 25589632). Truncating variants in this region have also been reported in individuals affected with autosomal recessive centronuclear myopathy (PMID: 23975875).

Literature cited by the submitters: PubMed 25589632; PubMed 23975875.